The following is an entry in ClinVar:

NM_014946.4(SPAST):c.1816C>T (p.Arg606Cys)

Gene: SPAST (spastin; plus strand). Cytogenetic location: 2p22.3.
Variant type: single nucleotide variant.
Coding change: c.1816C>T on transcript NM_014946.4 (MANE Select); coding-DNA position 1816, C replaced by T.
Protein change: p.Arg606Cys; replaces arginine 606 with cysteine.
Molecular consequence: missense variant. On other transcripts: 3 prime UTR variant (1).
Genome position (GRCh38, 1-based): chr2:32,154,461, C>T. VCF-style: chr2-32154461-C-T. GRCh37 (hg19) VCF-style: chr2-32379530-C-T.
Other names: c.1813C>T, p.Arg605Cys (NM_001363823.2); c.1717C>T, p.Arg573Cys (NM_001363875.2); c.*89C>T (NM_001377959.1); c.1720C>T, p.Arg574Cys (NM_199436.2); short protein forms R573C, R605C, R606C, R574C.
Identifiers: ClinVar variation 2047071 (VCV002047071.5), dbSNP rs759860510, ClinGen allele CA1601030.

ClinVar aggregate classification (germline): Uncertain significance. Review status: criteria provided, multiple submitters, no conflicts (2 of 4 stars). 2 submissions from 2 submitters: Uncertain significance (2). Last evaluated 2026-01-12.

Conditions:
Hereditary spastic paraplegia 4. Also called: Spastic paraplegia 4, autosomal dominant; Spastic Paraplegia 4; Familial spastic paraplegia autosomal dominant 2. Identifiers: Orphanet 100985, MedGen C1866855, MONDO:0008438, OMIM 182601.
Inborn genetic diseases. Identifiers: MedGen C0950123, MeSH D030342.

Allele frequency attached by ClinVar (database versions not stated): gnomAD 0.00001; TOPMed 0.00001; ExAC 0.00002.

Submissions (2):

Labcorp Genetics (formerly Invitae), Labcorp
Classification: Uncertain significance for Hereditary spastic paraplegia 4. Last evaluated: 2026-01-12. Review status: criteria provided, single submitter. Criteria: Invitae Variant Classification Sherloc (09022015). Collection method: clinical testing. Allele origin: germline.
Comment: This sequence change replaces arginine, which is basic and polar, with cysteine, which is neutral and slightly polar, at codon 606 of the SPAST protein (p.Arg606Cys). This variant is present in population databases (rs759860510, gnomAD 0.02%). This variant has not been reported in the literature in individuals affected with SPAST-related conditions. ClinVar contains an entry for this variant (Variation ID: 2047071). Invitae Evidence Modeling of protein sequence and biophysical properties (such as structural, functional, and spatial information, amino acid conservation, physicochemical variation, residue mobility, and thermodynamic stability) indicates that this missense variant is expected to disrupt SPAST protein function with a positive predictive value of 95%. In summary, the available evidence is currently insufficient to determine the role of this variant in disease. Therefore, it has been classified as a Variant of Uncertain Significance.

Ambry Genetics
Classification: Uncertain significance for Inborn genetic diseases. Last evaluated: 2024-05-13. Review status: criteria provided, single submitter. Criteria: Ambry Variant Classification Scheme 2023. Collection method: clinical testing. Allele origin: germline.